The following is an entry in ClinVar:

ClinVar aggregate classification (germline): Conflicting classifications of pathogenicity. Review status: criteria provided, conflicting classifications (1 of 4 stars). 7 submissions from 7 submitters: Uncertain significance (6); Likely benign (1). Last evaluated 2025-05-22.

Conditions:
TTN-related disorder. Also called: TTN-related condition; TTN-related disease; TTN-related disorders.
Cardiovascular phenotype. Identifiers: MedGen CN230736.
Myopathy, myofibrillar, 9, with early respiratory failure (MFM9). Also called: Hereditary myopathy with early respiratory failure; EDSTROM MYOPATHY; MYOPATHY, PROXIMAL, WITH EARLY RESPIRATORY MUSCLE INVOLVEMENT; Myopathy, distal, with early respiratory failure, autosomal dominant. Identifiers: Orphanet 178464, Orphanet 34521, MedGen C1863599, MONDO:0011362, OMIM 603689.
Autosomal recessive limb-girdle muscular dystrophy type 2J (LGMDR10). Also called: Limb-girdle muscular dystrophy, type 2J; MUSCULAR DYSTROPHY, LIMB-GIRDLE, AUTOSOMAL RECESSIVE 10. Identifiers: Orphanet 140922, MedGen C1837342, MONDO:0012127, OMIM 608807.
Early-onset myopathy with fatal cardiomyopathy (CMYO5). Also called: Salih Myopathy; CONGENITAL MYOPATHY 5 WITH CARDIOMYOPATHY. Identifiers: Orphanet 289377, MedGen C2673677, MONDO:0012714, OMIM 611705. Disease mechanism: loss of function.
Hypertrophic cardiomyopathy 9. Also called: Familial hypertrophic cardiomyopathy 9. Identifiers: MedGen C1861065, MONDO:0013412, OMIM 613765.
Dilated cardiomyopathy 1G (CMD1G). Identifiers: Orphanet 154, MedGen C1858763, MONDO:0011400, OMIM 604145.
Tibial muscular dystrophy (TMD). Also called: Tibial muscular dystrophy, tardive; UDD MYOPATHY; Udd Distal Myopathy – Tibial Muscular Dystrophy. Identifiers: Orphanet 609, MedGen C1838244, MONDO:0010870, OMIM 600334.

Allele frequency attached by ClinVar (database versions not stated): gnomAD exomes 0.00006 and 0.00007; ExAC 0.00007; gnomAD 0.00007; TOPMed 0.00008; 1000 Genomes Project 30x 0.00016.
gnomAD v4.1: 100 of 1,613,818 alleles (0.0062%); highest among the groups gnomAD compares: Non-Finnish European, 0.0075%; no homozygotes.

Submissions (7):

PreventionGenetics, part of Exact Sciences
Classification: Uncertain significance for TTN-related condition. Last evaluated: 2025-05-22. Review status: criteria provided, single submitter. Criteria: ACMG Guidelines, 2015. Collection method: clinical testing. Allele origin: germline.
Comment: The TTN c.98243G>A variant is predicted to result in the amino acid substitution p.Arg32748His. This variant has been reported as a variant of uncertain significance in an individual with dilated cardiomyopathy (described as p.Arg30180His in Table S1, Pugh et al. 2014. PubMed ID: 24503780). This variant is reported in 0.015% of alleles in individuals of East Asian descent in gnomAD. At this time, the clinical significance of this variant is uncertain due to the absence of conclusive functional and genetic evidence.

Fulgent Genetics
Classification: Uncertain significance for Tibial muscular dystrophy; Myopathy, myofibrillar, 9, with early respiratory failure; Dilated cardiomyopathy 1G; Autosomal recessive limb-girdle muscular dystrophy type 2J; Early-onset myopathy with fatal cardiomyopathy; Hypertrophic cardiomyopathy 9. Last evaluated: 2022-02-10. Review status: criteria provided, single submitter. Criteria: ACMG Guidelines, 2015. Collection method: clinical testing. Allele origin: unknown.

Ambry Genetics
Classification: Likely benign for Cardiovascular phenotype. Last evaluated: 2020-03-18. Review status: criteria provided, single submitter. Criteria: Ambry Variant Classification Scheme 2023. Collection method: clinical testing. Allele origin: germline.

Revvity Omics, Revvity
Classification: Uncertain significance. Last evaluated: 2019-05-10. Review status: criteria provided, single submitter. Criteria: ACMG Guidelines, 2015. Collection method: clinical testing. Allele origin: germline.

Eurofins Ntd Llc (ga)
Classification: Uncertain significance. Last evaluated: 2017-11-02. Review status: criteria provided, single submitter. Criteria: EGL Classification Definitions 2015. Collection method: clinical testing. Allele origin: germline. Observed: 1 variant allele, 1 heterozygote.

GeneDx
Classification: Uncertain significance. Last evaluated: 2017-03-31. Review status: criteria provided, single submitter. Criteria: GeneDx Variant Classification (06012015). Collection method: clinical testing. Allele origin: germline. Affected: yes.
Comment: The R30180H variant has been previously reported as a variant of uncertain significance in an individual with dilated cardiomyopathy who harbored variants in additional genes associated with this phenotype (Pugh et al., 2014). The R30180H variant is observed in 4/66704 (0.01%) alleles from individuals of African background (Lek et al., 2016; 1000 Genomes Consortium et al., 2015; Exome Variant Server). This variant is a conservative amino acid substitution, which is not likely to impact secondary protein structure as these residues share similar properties. Additionally, the majority of disease associated pathogenic variants in the TTN gene are loss of function and result from truncating variants. However, this substitution occurs at a position that is conserved across species, and is located in the A-band of the titin protein, where the majority of pathogenic truncating variants have been reported. In silico analysis predicts this variant is probably damaging to the protein structure/function.

Laboratory for Molecular Medicine, Mass General Brigham Personalized Medicine
Classification: Uncertain significance. Last evaluated: 2013-06-11. Review status: criteria provided, single submitter. Criteria: LMM Criteria. Collection method: clinical testing. Allele origin: germline. Observed: 2 variant alleles.
Comment: The Arg30180His variant in TTN has been identified by our laboratory in 2 indivi duals with DCM (LMM unpublished data) and was not identified in large population studies. Computational analyses (biochemical amino acid properties, conservatio n, AlignGVGD, PolyPhen2, and SIFT) do not provide strong support for or against an impact to the protein. Additional information is needed to fully assess the c linical significance of this variant.

NM_001267550.2(TTN):c.98243G>A (p.Arg32748His)

Genes: TTN (titin; minus strand), TTN-AS1 (TTN antisense RNA 1; plus strand). Cytogenetic location: 2q31.2.
Variant type: single nucleotide variant.
Coding change: c.98243G>A on transcript NM_001267550.2 (MANE Select); coding-DNA position 98243, G replaced by A.
Protein change: p.Arg32748His; replaces arginine 32748 with histidine.
Molecular consequence: missense variant. On other transcripts: non-coding transcript variant (1).
Genome position (GRCh38, 1-based): chr2:178,539,822, C>T on the plus strand (G>A on the coding strand, the complement: TTN is on the minus strand). VCF-style: chr2-178539822-C-T. GRCh37 (hg19) VCF-style: chr2-179404549-C-T.
Other names: c.93320G>A, p.Arg31107His (NM_001256850.1); c.90539G>A, p.Arg30180His (NM_133378.4); c.71048G>A, p.Arg23683His (NM_003319.4); c.71423G>A, p.Arg23808His (NM_133432.3); c.71624G>A, p.Arg23875His (NM_133437.4); short protein forms R32748H, R30180H, R31107H, R23808H, R23875H, R23683H.
Identifiers: ClinVar variation 47597 (VCV000047597.17), dbSNP rs397517775, ClinGen allele CA141470.